The following is an entry in ClinVar:

NM_000363.5(TNNI3):c.217G>T (p.Gly73Trp)

Gene: TNNI3 (troponin I3, cardiac type; minus strand). Cytogenetic location: 19q13.42.
Variant type: single nucleotide variant.
Coding change: c.217G>T on transcript NM_000363.5 (MANE Select); coding-DNA position 217, G replaced by T.
Protein change: p.Gly73Trp; replaces glycine 73 with tryptophan.
Molecular consequence: missense variant.
Genome position (GRCh38, 1-based): chr19:55,156,266, C>A on the plus strand (G>T on the coding strand, the complement: TNNI3 is on the minus strand). VCF-style: chr19-55156266-C-A. GRCh37 (hg19) VCF-style: chr19-55667634-C-A.
Other names: short protein forms G73W.
Identifiers: ClinVar variation 4756662 (VCV004756662.1).

ClinVar aggregate classification (germline): Uncertain significance (1 of 4 stars; one submission).

Conditions:
Cardiomyopathy (CMYO). Also called: Cardiomyopathies. Identifiers: Orphanet 167848, MedGen C0878544, MONDO:0004994, HP:0001638. Inheritance: Various modes of inheritance.

Submission:

Color Diagnostics, LLC DBA Color Health
Classification: Uncertain significance for Cardiomyopathy. Last evaluated: 2025-05-25. Review status: criteria provided, single submitter. Criteria: ACMG Guidelines, 2015. Collection method: clinical testing. Allele origin: germline.
Comment: This missense variant replaces glycine with tryptophan at codon 73 of the TNNI3 protein. Computational prediction is inconclusive regarding the impact of this variant on protein structure and function. To our knowledge, functional studies have not been reported for this variant. This variant has not been reported in individuals affected with TNNI3-related disorders in the literature. This variant has not been identified in the general population by the Genome Aggregation Database (gnomAD). The available evidence is insufficient to determine the role of this variant in disease conclusively. Therefore, this variant is classified as a Variant of Uncertain Significance.